The following is an entry in ClinVar:

NM_172107.4(KCNQ2):c.2159_2173del (p.Pro720_Pro724del)

Gene: KCNQ2 (potassium voltage-gated channel subfamily Q member 2; minus strand). Cytogenetic location: 20q13.33.
Variant type: Deletion.
Coding change: c.2159_2173del on transcript NM_172107.4 (MANE Select); coding-DNA positions 2159 to 2173, 15 bases deleted (CACAGAGCCACCCGC).
Protein change: p.Pro720_Pro724del.
Genome position (GRCh38, 1-based): chr20:63,407,090-63,407,104, GCGGGTGGCTCTGTG deleted on the plus strand (CACAGAGCCACCCGC on the coding strand, the reverse complement: KCNQ2 is on the minus strand); deleting any 15 consecutive bases within chr20:63,407,090-63,407,106 gives the same sequence; the c. name uses the placement nearest the transcript's 3' end. VCF-style (leftmost placement, unchanged base first): chr20-63407089-CGCGGGTGGCTCTGTG-C. GRCh37 (hg19) VCF-style: chr20-62038442-CGCGGGTGGCTCTGTG-C.
Other names: c.2159_2173del (NM_172107.2); c.2213_2227del, p.Pro738_Pro742del (NM_001382235.1); c.2075_2089del, p.Pro692_Pro696del (NM_004518.6); c.2105_2119del, p.Pro702_Pro706del (NM_172106.3); c.2066_2080del, p.Pro689_Pro693del (NM_172108.5).
Identifiers: ClinVar variation 3716258 (VCV003716258.3).

ClinVar aggregate classification (germline): Uncertain significance. Review status: criteria provided, multiple submitters, no conflicts (2 of 4 stars). 2 submissions from 2 submitters: Uncertain significance (2). Last evaluated 2024-11-25.

Conditions:
Early-infantile DEE. Also called: Ohtahara syndrome; Early infantile epileptic encephalopathy with suppression bursts; Early infantile epileptic encephalopathy. Identifiers: Orphanet 1934, MedGen C0393706, MONDO:0800491.

Submissions (2):

GeneDx
Classification: Uncertain significance. Last evaluated: 2024-11-25. Review status: criteria provided, single submitter. Criteria: GeneDx Variant Classification Process June 2021. Collection method: clinical testing. Allele origin: germline. Affected: yes.
Comment: In-frame deletion of 5 of amino acidsin a non-repeat region predicted to critically alter the protein; In silico analysis supports a deleterious effect on protein structure/function; Has not been previously published as pathogenic or benign to our knowledge

Labcorp Genetics (formerly Invitae), Labcorp
Classification: Uncertain significance for Early-infantile DEE. Last evaluated: 2024-09-12. Review status: criteria provided, single submitter. Criteria: Invitae Variant Classification Sherloc (09022015). Collection method: clinical testing. Allele origin: germline.
Comment: This variant, c.2159_2173del, results in the deletion of 5 amino acid(s) of the KCNQ2 protein (p.Pro720_Pro724del), but otherwise preserves the integrity of the reading frame. This variant is present in population databases (no rsID available, gnomAD 0.02%). This variant has not been reported in the literature in individuals affected with KCNQ2-related conditions. Experimental studies and prediction algorithms are not available or were not evaluated, and the functional significance of this variant is currently unknown. This variant disrupts a region of the KCNQ2 protein in which other variant(s) (p.Pro724Leu) have been observed in individuals with KCNQ2-related conditions (internal data). This suggests that this is a clinically significant region of the protein, and that variants that disrupt it are likely to be disease-causing. In summary, the available evidence is currently insufficient to determine the role of this variant in disease. Therefore, it has been classified as a Variant of Uncertain Significance.